The following is an entry in ClinVar:

NM_000066.4(C8B):c.1013G>A (p.Arg338His)

Gene: C8B (complement C8 beta chain; minus strand). Cytogenetic location: 1p32.2.
Variant type: single nucleotide variant.
Coding change: c.1013G>A on transcript NM_000066.4 (MANE Select); coding-DNA position 1013, G replaced by A.
Protein change: p.Arg338His; replaces arginine 338 with histidine.
Molecular consequence: missense variant.
Genome position (GRCh38, 1-based): chr1:56,945,913, C>T on the plus strand (G>A on the coding strand, the complement: C8B is on the minus strand). VCF-style: chr1-56945913-C-T. GRCh37 (hg19) VCF-style: chr1-57411586-C-T.
Other names: c.857G>A, p.Arg286His (NM_001278543.2); c.827G>A, p.Arg276His (NM_001278544.2); short protein forms R286H, R338H, R276H.
Identifiers: ClinVar variation 1043231 (VCV001043231.6), dbSNP rs762755903, ClinGen allele CA875783.
Genomic context (GRCh38, chr1:56,945,913, plus strand): 5'-AGGGTGTATTCATAAATGCCCCCAAGCACAGCCTCTGTGATGTAGTGGGTCCCAAAATCA[C>T]GGAAGAGATCTCTGTATTCCCCGTAGCTGTACTCCAGGGGCAGCCGCTTAACTCTCTGAA-3'
Protein context (NP_000057.3, residues 328-348): YSYGEYRDLF[Arg338His]DFGTHYITEA

ClinVar aggregate classification (germline): Uncertain significance (1 of 4 stars; one submission).

Allele frequency attached by ClinVar (database versions not stated): ExAC 0.00001; gnomAD exomes 0.00001; TOPMed 0.00002.
gnomAD v4.1: 24 of 1,614,100 alleles (0.0015%); highest among the groups gnomAD compares: East Asian, 0.0067%; 1 homozygote.

Submission:

Labcorp Genetics (formerly Invitae), Labcorp
Classification: Uncertain significance. Last evaluated: 2020-10-19. Review status: criteria provided, single submitter. Criteria: Invitae Variant Classification Sherloc (09022015). Collection method: clinical testing. Allele origin: germline.
Comment: In summary, the available evidence is currently insufficient to determine the role of this variant in disease. Therefore, it has been classified as a Variant of Uncertain Significance. Algorithms developed to predict the effect of missense changes on protein structure and function output the following: SIFT: "Deleterious"; PolyPhen-2: "Benign"; Align-GVGD: "Class C0". The histidine amino acid residue is found in multiple mammalian species, suggesting that this missense change does not adversely affect protein function. These predictions have not been confirmed by published functional studies and their clinical significance is uncertain. This variant has not been reported in the literature in individuals with C8B-related conditions. This variant is present in population databases (rs762755903, ExAC 0.006%). This sequence change replaces arginine with histidine at codon 338 of the C8B protein (p.Arg338His). The arginine residue is moderately conserved and there is a small physicochemical difference between arginine and histidine.